The following is an entry in ClinVar:

NM_000875.5(IGF1R):c.2402T>C (p.Ile801Thr)

Gene: IGF1R (insulin like growth factor 1 receptor; plus strand). Cytogenetic location: 15q26.3.
Variant type: single nucleotide variant.
Coding change: c.2402T>C on transcript NM_000875.5 (MANE Select); coding-DNA position 2402, T replaced by C.
Protein change: p.Ile801Thr; replaces isoleucine 801 with threonine.
Molecular consequence: missense variant.
Genome position (GRCh38, 1-based): chr15:98,922,348, T>C. VCF-style: chr15-98922348-T-C. GRCh37 (hg19) VCF-style: chr15-99465577-T-C.
Other names: c.2402T>C, p.Ile801Thr (NM_001291858.2); short protein forms I801T.
Identifiers: ClinVar variation 5005499 (VCV005005499.2).

ClinVar aggregate classification (germline): Uncertain significance (1 of 4 stars; one submission).

Conditions:
Growth delay due to insulin-like growth factor I resistance. Also called: Somatomedin end-organ insensitivity to; Somatomedin-c resistance to; IGF-1 resistance; IGF-I RESISTANCE; Insulin-Like Growth Factor I Resistance. Identifiers: Orphanet 73273, MedGen C1849157, MONDO:0010038, OMIM 270450.

Submission:

Juno Genomics, Hangzhou Juno Genomics, Inc
Classification: Uncertain significance for Growth delay due to insulin-like growth factor I resistance. Review status: criteria provided, single submitter. Criteria: ACMG Guidelines, 2015. Collection method: clinical testing. Allele origin: germline.
Comment: Absent from controls (or at extremely low frequency if recessive) in Genome Aggregation Database.;Missense variant in a gene that has a low rate of benign missense variation.;De novo (both maternity and paternity confirmed) in a patient with the disease and no family history.;Multiple lines of computational evidence support a deleterious effect on the gene or gene product.